The following is an entry in ClinVar:

ClinVar aggregate classification (germline): Uncertain significance (1 of 4 stars; one submission).

Submission:

Labcorp Genetics (formerly Invitae), Labcorp
Classification: Uncertain significance. Last evaluated: 2022-10-05. Review status: criteria provided, single submitter. Criteria: Invitae Variant Classification Sherloc (09022015). Collection method: clinical testing. Allele origin: germline.
Comment: This sequence change replaces leucine, which is neutral and non-polar, with glutamine, which is neutral and polar, at codon 159 of the NEUROG3 protein (p.Leu159Gln). This variant is not present in population databases (gnomAD no frequency). This variant has not been reported in the literature in individuals affected with NEUROG3-related conditions. Algorithms developed to predict the effect of missense changes on protein structure and function are either unavailable or do not agree on the potential impact of this missense change (SIFT: "Tolerated"; PolyPhen-2: "Possibly Damaging"; Align-GVGD: "Class C0"). In summary, the available evidence is currently insufficient to determine the role of this variant in disease. Therefore, it has been classified as a Variant of Uncertain Significance.

NM_020999.4(NEUROG3):c.476T>A (p.Leu159Gln)

Gene: NEUROG3 (neurogenin 3; minus strand). Cytogenetic location: 10q22.1.
Variant type: single nucleotide variant.
Coding change: c.476T>A on transcript NM_020999.4 (MANE Select); coding-DNA position 476, T replaced by A.
Protein change: p.Leu159Gln; replaces leucine 159 with glutamine.
Molecular consequence: missense variant.
Genome position (GRCh38, 1-based): chr10:69,572,568, A>T on the plus strand (T>A on the coding strand, the complement: NEUROG3 is on the minus strand). VCF-style: chr10-69572568-A-T. GRCh37 (hg19) VCF-style: chr10-71332324-A-T.
Other names: short protein forms L159Q.
Identifiers: ClinVar variation 2120269 (VCV002120269.4), dbSNP rs2540709613, ClinGen allele CA376921811.